The following is an entry in ClinVar:

ClinVar aggregate classification (germline): Uncertain significance (1 of 4 stars; one submission).

gnomAD v4.1: 1 of 1,614,162 alleles (0.000062%); highest among the groups gnomAD compares: Non-Finnish European, 0.000085%; no homozygotes.

Submission:

GeneDx
Classification: Uncertain significance. Last evaluated: 2021-06-21. Review status: criteria provided, single submitter. Criteria: GeneDx Variant Classification Process June 2021. Collection method: clinical testing. Allele origin: germline. Affected: yes.
Comment: Not observed at significant frequency in large population cohorts (Lek et al., 2016); In silico analysis supports that this missense variant has a deleterious effect on protein structure/function; Has not been previously published as pathogenic or benign to our knowledge; This variant is associated with the following publications: (PMID: 27535533)

NM_014991.6(WDFY3):c.8777A>T (p.Glu2926Val)

Gene: WDFY3 (WD repeat and FYVE domain containing 3; minus strand). Cytogenetic location: 4q21.23.
Variant type: single nucleotide variant.
Coding change: c.8777A>T on transcript NM_014991.6 (MANE Select); coding-DNA position 8777, A replaced by T.
Protein change: p.Glu2926Val; replaces glutamic acid 2926 with valine.
Molecular consequence: missense variant.
Genome position (GRCh38, 1-based): chr4:84,696,094, T>A on the plus strand (A>T on the coding strand, the complement: WDFY3 is on the minus strand). VCF-style: chr4-84696094-T-A. GRCh37 (hg19) VCF-style: chr4-85617247-T-A.
Other names: short protein forms E2926V.
Identifiers: ClinVar variation 1329686 (VCV001329686.2), dbSNP rs1243655267, ClinGen allele CA357538674.